The following is an entry in ClinVar:

ClinVar aggregate classification (germline): Uncertain significance (1 of 4 stars; one submission).

Conditions:
Joubert syndrome. Also called: JOUBERT-BOLTSHAUSER SYNDROME; Familial aplasia of the vermis. Identifiers: Orphanet 475, MedGen C5979921, MONDO:0018772.
Meckel-Gruber syndrome. Also called: DYSENCEPHALIA SPLANCHNOCYSTICA; GRUBER SYNDROME; Dysencephalia splachnocystica. Identifiers: Orphanet 564, MedGen C0265215, MONDO:0018921.

Submission:

Labcorp Genetics (formerly Invitae), Labcorp
Classification: Uncertain significance for Joubert syndrome; Meckel-Gruber syndrome. Last evaluated: 2021-08-11. Review status: criteria provided, single submitter. Criteria: Invitae Variant Classification Sherloc (09022015). Collection method: clinical testing. Allele origin: germline.
Comment: This sequence change replaces proline with serine at codon 1339 of the CC2D2A protein (p.Pro1339Ser). The proline residue is moderately conserved and there is a moderate physicochemical difference between proline and serine. This variant is not present in population databases (ExAC no frequency). This variant has not been reported in the literature in individuals affected with CC2D2A-related conditions. Advanced modeling of protein sequence and biophysical properties (such as structural, functional, and spatial information, amino acid conservation, physicochemical variation, residue mobility, and thermodynamic stability) performed at Invitae indicates that this missense variant is expected to disrupt CC2D2A protein function. In summary, the available evidence is currently insufficient to determine the role of this variant in disease. Therefore, it has been classified as a Variant of Uncertain Significance.

NM_001378615.1(CC2D2A):c.4015C>T (p.Pro1339Ser)

Genes: CC2D2A (coiled-coil and C2 domain containing 2A; plus strand), FBXL5 (F-box and leucine rich repeat protein 5; minus strand). Cytogenetic location: 4p15.32.
Variant type: single nucleotide variant.
Coding change: c.4015C>T on transcript NM_001378615.1 (MANE Select); coding-DNA position 4015, C replaced by T.
Protein change: p.Pro1339Ser; replaces proline 1339 with serine.
Molecular consequence: missense variant.
Genome position (GRCh38, 1-based): chr4:15,586,196, C>T. VCF-style: chr4-15586196-C-T. GRCh37 (hg19) VCF-style: chr4-15587819-C-T.
Other names: c.4015C>T, p.Pro1339Ser (NM_001080522.2); c.3868C>T, p.Pro1290Ser (NM_001378617.1); short protein forms P1339S, P1290S.
Identifiers: ClinVar variation 1511932 (VCV001511932.3), dbSNP rs781057021, ClinGen allele CA356428335.